The following is an entry in ClinVar:

ClinVar aggregate classification (germline): Pathogenic (0 of 4 stars; one submission).

Conditions:
Cholestanol storage disease (CTX). Also called: CEREBRAL CHOLESTERINOSIS; Cerebrotendinous Xanthomatosis; CTX: Cerebrotendinous xanthomatosis. Identifiers: Orphanet 909, MedGen C0238052, MONDO:0008948, OMIM 213700.

Submission:

GeneReviews
Classification: Pathogenic for Cerebrotendinous Xanthomatosis. Last evaluated: 2013-08-01. Review status: no assertion criteria provided. Collection method: curation. Allele origin: unknown.
ClinVar note: Converted during submission from pathologic to Pathogenic.

NM_000784.4(CYP27A1):c.583G>T (p.Glu195Ter)

Gene: CYP27A1 (cytochrome P450 family 27 subfamily A member 1; plus strand). Cytogenetic location: 2q35.
Variant type: single nucleotide variant.
Coding change: c.583G>T on transcript NM_000784.4 (MANE Select); coding-DNA position 583, G replaced by T.
Protein change: p.Glu195Ter; replaces glutamic acid 195 with a stop codon.
Molecular consequence: nonsense.
Genome position (GRCh38, 1-based): chr2:218,812,358, G>T. VCF-style: chr2-218812358-G-T. GRCh37 (hg19) VCF-style: chr2-219677081-G-T.
Other names: c.583G>T; short protein forms E195*.
Identifiers: ClinVar variation 65878 (VCV000065878.3), dbSNP rs587778800, ClinGen allele CA345212.
Genomic context (GRCh38, chr2:218,812,358, plus strand): 5'-ACGGATGCTTTCAATGAGGTGATTGATGACTTTATGACTCGACTGGACCAGCTGCGGGCA[G>T]AGAGTGCTTCGGGGAACCAGGTGTCGGACATGGCTCAACTCTTCTACTACTTTGCCTTGG-3'